The following is an entry in ClinVar:

NM_004998.4(MYO1E):c.1868A>G (p.Tyr623Cys)

Gene: MYO1E (myosin IE; minus strand). Cytogenetic location: 15q22.2.
Variant type: single nucleotide variant.
Coding change: c.1868A>G on transcript NM_004998.4 (MANE Select); coding-DNA position 1868, A replaced by G.
Protein change: p.Tyr623Cys; replaces tyrosine 623 with cysteine.
Molecular consequence: missense variant.
Genome position (GRCh38, 1-based): chr15:59,188,154, T>C on the plus strand (A>G on the coding strand, the complement: MYO1E is on the minus strand). VCF-style: chr15-59188154-T-C. GRCh37 (hg19) VCF-style: chr15-59480353-T-C.
Other names: short protein forms Y623C.
Identifiers: ClinVar variation 2973769 (VCV002973769.2), dbSNP rs112973782, ClinGen allele CA271795733.

ClinVar aggregate classification (germline): Uncertain significance (1 of 4 stars; one submission).

Allele frequency attached by ClinVar (database versions not stated): gnomAD exomes below 0.00001; TOPMed below 0.00001.
gnomAD v4.1: 3 of 1,614,182 alleles (0.00019%); highest among the groups gnomAD compares: Non-Finnish European, 0.00017%; no homozygotes.

Submission:

Labcorp Genetics (formerly Invitae), Labcorp
Classification: Uncertain significance. Last evaluated: 2025-01-06. Review status: criteria provided, single submitter. Criteria: Invitae Variant Classification Sherloc (09022015). Collection method: clinical testing. Allele origin: germline.
Comment: This sequence change replaces tyrosine, which is neutral and polar, with cysteine, which is neutral and slightly polar, at codon 623 of the MYO1E protein (p.Tyr623Cys). This variant is present in population databases (rs112973782, gnomAD no frequency). This variant has not been reported in the literature in individuals affected with MYO1E-related conditions. ClinVar contains an entry for this variant (Variation ID: 2973769). Invitae Evidence Modeling of protein sequence and biophysical properties (such as structural, functional, and spatial information, amino acid conservation, physicochemical variation, residue mobility, and thermodynamic stability) indicates that this missense variant is expected to disrupt MYO1E protein function with a positive predictive value of 80%. In summary, the available evidence is currently insufficient to determine the role of this variant in disease. Therefore, it has been classified as a Variant of Uncertain Significance.